The following is an entry in ClinVar:

ClinVar aggregate classification (germline): Uncertain significance (1 of 4 stars; one submission).

Conditions:
Primary familial hypertrophic cardiomyopathy (HCM). Identifiers: Orphanet 99739, MedGen C0949658, MeSH D024741, MONDO:0024573. Inheritance: Various modes of inheritance.
Dilated cardiomyopathy 1AA (CMD1AA). Also called: Cardiomyopathy, dilated, 1AA, with or without LVNC; CARDIOMYOPATHY, DILATED, 1AA, WITH OR WITHOUT LEFT VENTRICULAR NONCOMPACTION; CARDIOMYOPATHY, FAMILIAL HYPERTROPHIC, 23, WITH OR WITHOUT LEFT VENTRICULAR NONCOMPACTION. Identifiers: Orphanet 154, MedGen C2677338, MONDO:0012808, OMIM 612158.

Submission:

Labcorp Genetics (formerly Invitae), Labcorp
Classification: Uncertain significance for Primary familial hypertrophic cardiomyopathy; Dilated cardiomyopathy 1AA. Last evaluated: 2024-08-20. Review status: criteria provided, single submitter. Criteria: Invitae Variant Classification Sherloc (09022015). Collection method: clinical testing. Allele origin: germline.
Comment: This sequence change replaces glutamic acid, which is acidic and polar, with lysine, which is basic and polar, at codon 628 of the ACTN2 protein (p.Glu628Lys). This variant is present in population databases (no rsID available, gnomAD 0.0009%). This variant has not been reported in the literature in individuals affected with ACTN2-related conditions. Invitae Evidence Modeling of protein sequence and biophysical properties (such as structural, functional, and spatial information, amino acid conservation, physicochemical variation, residue mobility, and thermodynamic stability) indicates that this missense variant is not expected to disrupt ACTN2 protein function with a negative predictive value of 95%. In summary, the available evidence is currently insufficient to determine the role of this variant in disease. Therefore, it has been classified as a Variant of Uncertain Significance.

NM_001103.4(ACTN2):c.1882G>A (p.Glu628Lys)

Gene: ACTN2 (actinin alpha 2; plus strand). Cytogenetic location: 1q43.
Variant type: single nucleotide variant.
Coding change: c.1882G>A on transcript NM_001103.4 (MANE Select); coding-DNA position 1882, G replaced by A.
Protein change: p.Glu628Lys; replaces glutamic acid 628 with lysine.
Molecular consequence: missense variant. On other transcripts: non-coding transcript variant (1).
Genome position (GRCh38, 1-based): chr1:236,753,989, G>A. VCF-style: chr1-236753989-G-A. GRCh37 (hg19) VCF-style: chr1-236917289-G-A.
Other names: c.1882G>A, p.Glu628Lys (NM_001278343.2); short protein forms E628K.
Identifiers: ClinVar variation 3748647 (VCV003748647.2).